The following is an entry in ClinVar:

NM_006506.5(RASA2):c.1893C>G (p.Phe631Leu)

Gene: RASA2 (RAS p21 protein activator 2; plus strand). Cytogenetic location: 3q23.
Variant type: single nucleotide variant.
Coding change: c.1893C>G on transcript NM_006506.5 (MANE Select); coding-DNA position 1893, C replaced by G.
Protein change: p.Phe631Leu; replaces phenylalanine 631 with leucine.
Molecular consequence: missense variant.
Genome position (GRCh38, 1-based): chr3:141,586,712, C>G. VCF-style: chr3-141586712-C-G. GRCh37 (hg19) VCF-style: chr3-141305554-C-G.
Other names: c.1893C>G, p.Phe631Leu (NM_001303245.3, NM_001303246.3); short protein forms F631L.
Identifiers: ClinVar variation 3943006 (VCV003943006.1).

ClinVar aggregate classification (germline): Uncertain significance (1 of 4 stars; one submission).

gnomAD v4.1: 1 of 1,613,622 alleles (0.000062%); highest among the groups gnomAD compares: East Asian, 0.0022%; no homozygotes.

Submission:

Ambry Genetics
Classification: Uncertain significance. Last evaluated: 2025-05-05. Review status: criteria provided, single submitter. Criteria: Ambry Variant Classification Scheme 2023. Collection method: clinical testing. Allele origin: germline.
Comment: The p.F631L variant (also known as c.1893C>G), located in coding exon 19 of the RASA2 gene, results from a C to G substitution at nucleotide position 1893. The phenylalanine at codon 631 is replaced by leucine, an amino acid with highly similar properties. This amino acid position is conserved. In addition, the in silico prediction for this alteration is inconclusive. Based on the available evidence, the clinical significance of this variant remains unclear.